The following is an entry in ClinVar:

NM_006767.4(LZTR1):c.542C>A (p.Thr181Lys)

Gene: LZTR1 (leucine zipper like post translational regulator 1; plus strand). Cytogenetic location: 22q11.21.
Variant type: single nucleotide variant.
Coding change: c.542C>A on transcript NM_006767.4 (MANE Select); coding-DNA position 542, C replaced by A.
Protein change: p.Thr181Lys; replaces threonine 181 with lysine.
Molecular consequence: missense variant.
Genome position (GRCh38, 1-based): chr22:20,988,821, C>A. VCF-style: chr22-20988821-C-A. GRCh37 (hg19) VCF-style: chr22-21343110-C-A.
Other names: short protein forms T181K.
Identifiers: ClinVar variation 1747490 (VCV001747490.2), dbSNP rs774992323, ClinGen allele CA410780138.

ClinVar aggregate classification (germline): Uncertain significance (1 of 4 stars; one submission).

Conditions:
Cardiovascular phenotype. Identifiers: MedGen CN230736.
Hereditary cancer-predisposing syndrome. Also called: Hereditary Cancer Syndrome; Neoplastic Syndromes, Hereditary; Tumor predisposition; Hereditary neoplastic syndrome. Identifiers: Orphanet 140162, MedGen C0027672, MeSH D009386, MONDO:0015356.

Submission:

Ambry Genetics
Classification: Uncertain significance for Cardiovascular phenotype; Hereditary cancer-predisposing syndrome. Last evaluated: 2022-04-23. Review status: criteria provided, single submitter. Criteria: Ambry Variant Classification Scheme 2023. Collection method: clinical testing. Allele origin: germline.
Comment: The p.T181K variant (also known as c.542C>A), located in coding exon 6 of the LZTR1 gene, results from a C to A substitution at nucleotide position 542. The threonine at codon 181 is replaced by lysine, an amino acid with similar properties. This amino acid position is conserved. In addition, this alteration is predicted to be deleterious by in silico analysis. Since supporting evidence is limited at this time, the clinical significance of this alteration remains unclear.